The following is an entry in ClinVar:

ClinVar aggregate classification (germline): Likely pathogenic. Review status: criteria provided, multiple submitters, no conflicts (2 of 4 stars). 3 submissions from 3 submitters: Likely pathogenic (3). Last evaluated 2025-07-16.

Conditions:
Atypical glycine encephalopathy. Also called: Glycine encephalopathy with normal serum glycine. Identifiers: Orphanet 289863, MedGen C4310943, MONDO:0015010, OMIM 617301.

Allele frequency attached by ClinVar (database versions not stated): TOPMed 0.00001; ExAC 0.00004.
gnomAD v4.1: 9 of 1,595,890 alleles (0.00056%); highest among the groups gnomAD compares: East Asian, 0.0022%; no homozygotes.

Submissions (3):

Labcorp Genetics (formerly Invitae), Labcorp
Classification: Likely pathogenic for Atypical glycine encephalopathy. Last evaluated: 2025-07-16. Review status: criteria provided, single submitter. Criteria: Invitae Variant Classification Sherloc (09022015). Collection method: clinical testing. Allele origin: germline.
Comment: This sequence change affects a donor splice site in intron 12 of the SLC6A9 gene. It is expected to disrupt RNA splicing. Variants that disrupt the donor or acceptor splice site typically lead to a loss of protein function (PMID: 16199547), and loss-of-function variants in SLC6A9 are known to be pathogenic (PMID: 27773429). This variant is present in population databases (rs746910535, gnomAD 0.006%). This variant has not been reported in the literature in individuals affected with SLC6A9-related conditions. ClinVar contains an entry for this variant (Variation ID: 2573356). Algorithms developed to predict the effect of sequence changes on RNA splicing suggest that this variant may disrupt the consensus splice site. In summary, the currently available evidence indicates that the variant is pathogenic, but additional data are needed to prove that conclusively. Therefore, this variant has been classified as Likely Pathogenic.

Women's Health and Genetics/Laboratory Corporation of America, LabCorp
Classification: Likely pathogenic for Atypical glycine encephalopathy. Last evaluated: 2023-06-23. Review status: criteria provided, single submitter. Criteria: LabCorp Variant Classification Summary - May 2015. Collection method: clinical testing. Allele origin: germline.
Comment: Variant summary: SLC6A9 c.1755+1G>A is located in a canonical splice-site and is predicted to affect mRNA splicing resulting in a significantly altered protein due to either exon skipping, shortening, or inclusion of intronic material. The variant allele was found at a frequency of 1.7e-05 in 241234 control chromosomes. To our knowledge, no occurrence of c.1755+1G>A in individuals affected with Atypical Glycine Encephalopathy and no experimental evidence demonstrating its impact on protein function have been reported. No submitters have cited clinical-significance assessments for this variant to ClinVar after 2014. Based on the evidence outlined above, the variant was classified as likely pathogenic.

Juno Genomics, Hangzhou Juno Genomics, Inc
Classification: Likely pathogenic for Atypical glycine encephalopathy. Review status: criteria provided, single submitter. Criteria: ACMG Guidelines, 2015. Collection method: clinical testing. Allele origin: germline.
Comment: Absent from controls (or at extremely low frequency if recessive) in Genome Aggregation Database.;Null variant in a gene where loss of function (LOF) is a known mechanism of disease.

Literature cited by the submitters: PubMed 16199547 (cited by Labcorp Genetics (formerly Invitae), Labcorp); PubMed 27773429 (cited by Labcorp Genetics (formerly Invitae), Labcorp).

NM_001024845.3(SLC6A9):c.1536+1G>A

Gene: SLC6A9 (solute carrier family 6 member 9; minus strand). Cytogenetic location: 1p34.1.
Variant type: single nucleotide variant.
Coding change: c.1536+1G>A on transcript NM_001024845.3 (MANE Select); the canonical splice donor site of the intron after coding-DNA position 1536, G replaced by A.
Molecular consequence: splice donor variant.
Genome position (GRCh38, 1-based): chr1:44,000,766, C>T on the plus strand (G>A on the coding strand, the complement: SLC6A9 is on the minus strand). VCF-style: chr1-44000766-C-T. GRCh37 (hg19) VCF-style: chr1-44466438-C-T.
Other names: c.1203+1G>A (NM_001328630.2, NM_001328626.2); c.1536+1G>A (NM_001328629.1); c.1341+1G>A (NM_001328628.1); c.1473+1G>A (NM_001328627.1); c.1548+1G>A (NM_001261380.2); c.1593+1G>A (NM_006934.4); c.1755+1G>A (NM_201649.4).
Identifiers: ClinVar variation 2573356 (VCV002573356.4), dbSNP rs746910535, ClinGen allele CA817456.